The following is an entry in ClinVar:

NM_000051.4(ATM):c.508G>C (p.Val170Leu)

Gene: ATM (ATM serine/threonine kinase; plus strand). Cytogenetic location: 11q22.3.
Variant type: single nucleotide variant.
Coding change: c.508G>C on transcript NM_000051.4 (MANE Select); coding-DNA position 508, G replaced by C.
Protein change: p.Val170Leu; replaces valine 170 with leucine.
Molecular consequence: missense variant.
Genome position (GRCh38, 1-based): chr11:108,243,964, G>C. VCF-style: chr11-108243964-G-C. GRCh37 (hg19) VCF-style: chr11-108114691-G-C.
Other names: c.508G>C, p.Val170Leu (NM_001351834.2); short protein forms V170L.
Identifiers: ClinVar variation 3019938 (VCV003019938.3), dbSNP rs786202781, ClinGen allele CA382527468.

ClinVar aggregate classification (germline): Uncertain significance (1 of 4 stars; one submission).

Conditions:
Ataxia-telangiectasia syndrome (AT). Also called: Ataxia-telangiectasia, complementation group E; Ataxia-telangiectasia, complementation group D; AT, COMPLEMENTATION GROUP C; Ataxia-telangiectasia; LOUIS-BAR SYNDROME; Ataxia telangiectasia (A-T). Identifiers: Orphanet 100, MedGen C0004135, MONDO:0008840, OMIM 208900.

Submission:

Labcorp Genetics (formerly Invitae), Labcorp
Classification: Uncertain significance for Ataxia-telangiectasia syndrome. Last evaluated: 2024-03-05. Review status: criteria provided, single submitter. Criteria: Invitae Variant Classification Sherloc (09022015). Collection method: clinical testing. Allele origin: germline.
Comment: This sequence change replaces valine, which is neutral and non-polar, with leucine, which is neutral and non-polar, at codon 170 of the ATM protein (p.Val170Leu). This variant is not present in population databases (gnomAD no frequency). This variant has not been reported in the literature in individuals affected with ATM-related conditions. Algorithms developed to predict the effect of missense changes on protein structure and function output the following: SIFT: "Not Available"; PolyPhen-2: "Benign"; Align-GVGD: "Not Available". The leucine amino acid residue is found in multiple mammalian species, which suggests that this missense change does not adversely affect protein function. Algorithms developed to predict the effect of sequence changes on RNA splicing suggest that this variant may disrupt the consensus splice site. In summary, the available evidence is currently insufficient to determine the role of this variant in disease. Therefore, it has been classified as a Variant of Uncertain Significance.